The following is an entry in ClinVar:

ClinVar aggregate classification (germline): Uncertain significance. Review status: criteria provided, multiple submitters, no conflicts (2 of 4 stars). 2 submissions from 2 submitters: Uncertain significance (2). Last evaluated 2025-07-26.

Conditions:
EGFR-related lung cancer (EGFR). Identifiers: MedGen CN130014.
Hereditary cancer-predisposing syndrome. Also called: Tumor predisposition; Hereditary Cancer Syndrome; Hereditary neoplastic syndrome; Neoplastic Syndromes, Hereditary. Identifiers: Orphanet 140162, MedGen C0027672, MeSH D009386, MONDO:0015356.

gnomAD v4.1: 1 of 1,613,512 alleles (0.000062%); highest among the groups gnomAD compares: African/African-American, 0.0013%; no homozygotes.

Submissions (2):

Ambry Genetics
Classification: Uncertain significance for Hereditary cancer-predisposing syndrome. Last evaluated: 2025-07-26. Review status: criteria provided, single submitter. Criteria: Ambry Variant Classification Scheme 2023. Collection method: clinical testing. Allele origin: germline.
Comment: The p.L730P variant (also known as c.2189T>C), located in coding exon 19 of the EGFR gene, results from a T to C substitution at nucleotide position 2189. The leucine at codon 730 is replaced by proline, an amino acid with similar properties. This amino acid position is highly conserved in available vertebrate species. In addition, this alteration is predicted to be deleterious by in silico analysis. Based on the available evidence, the clinical significance of this variant remains unclear.

Labcorp Genetics (formerly Invitae), Labcorp
Classification: Uncertain significance for EGFR-related lung cancer. Last evaluated: 2024-12-12. Review status: criteria provided, single submitter. Criteria: Invitae Variant Classification Sherloc (09022015). Collection method: clinical testing. Allele origin: germline.
Comment: This sequence change replaces leucine, which is neutral and non-polar, with proline, which is neutral and non-polar, at codon 730 of the EGFR protein (p.Leu730Pro). This variant is present in population databases (rs771995749, gnomAD 0.007%). This variant has not been reported in the literature in individuals affected with EGFR-related conditions. ClinVar contains an entry for this variant (Variation ID: 1444992). Invitae Evidence Modeling of protein sequence and biophysical properties (such as structural, functional, and spatial information, amino acid conservation, physicochemical variation, residue mobility, and thermodynamic stability) indicates that this missense variant is not expected to disrupt EGFR protein function with a negative predictive value of 80%. In summary, the available evidence is currently insufficient to determine the role of this variant in disease. Therefore, it has been classified as a Variant of Uncertain Significance.

NM_005228.5(EGFR):c.2189T>C (p.Leu730Pro)

Gene: EGFR (epidermal growth factor receptor; plus strand). Cytogenetic location: 7p11.2.
Variant type: single nucleotide variant.
Coding change: c.2189T>C on transcript NM_005228.5 (MANE Select); coding-DNA position 2189, T replaced by C.
Protein change: p.Leu730Pro; replaces leucine 730 with proline.
Molecular consequence: missense variant.
Genome position (GRCh38, 1-based): chr7:55,174,726, T>C. VCF-style: chr7-55174726-T-C. GRCh37 (hg19) VCF-style: chr7-55242419-T-C.
Other names: c.2054T>C, p.Leu685Pro (NM_001346897.2, NM_001346899.2); c.2189T>C, p.Leu730Pro (NM_001346898.2); c.2030T>C, p.Leu677Pro (NM_001346900.2); c.1388T>C, p.Leu463Pro (NM_001346941.2); c.2189T>C (NM_005228.3); short protein forms L463P, L730P, L677P, L685P.
Identifiers: ClinVar variation 1444992 (VCV001444992.9), dbSNP rs771995749, ClinGen allele CA4266011.
Genomic context (GRCh38, chr7:55,174,726, plus strand): 5'-CATGTGGCACCATCTCACAATTGCCAGTTAACGTCTTCCTTCTCTCTCTGTCATAGGGAC[T>C]CTGGATCCCAGAAGGTGAGAAAGTTAAAATTCCCGTCGCTATCAAGGAATTAAGAGAAGC-3'
Protein context (NP_005219.2, residues 720-740): SGAFGTVYKG[Leu730Pro]WIPEGEKVKI